The following is an entry in ClinVar:

ClinVar aggregate classification (germline): Uncertain significance (1 of 4 stars; one submission).

Conditions:
Primary dilated cardiomyopathy (DCM). Also called: Dilated Cardiomyopathy. Identifiers: Orphanet 217604, MedGen C0007193, MeSH D002311, MONDO:0005021, HP:0001644. Inheritance: Various modes of inheritance.

Submission:

Labcorp Genetics (formerly Invitae), Labcorp
Classification: Uncertain significance for Primary dilated cardiomyopathy. Last evaluated: 2025-02-17. Review status: criteria provided, single submitter. Criteria: Invitae Variant Classification Sherloc (09022015). Collection method: clinical testing. Allele origin: germline.
Comment: This sequence change falls in intron 8 of the TXNRD2 gene. It does not directly change the encoded amino acid sequence of the TXNRD2 protein. It affects a nucleotide within the consensus splice site. This variant is not present in population databases (gnomAD no frequency). This variant has not been reported in the literature in individuals affected with TXNRD2-related conditions. ClinVar contains an entry for this variant (Variation ID: 1513619). Variants that disrupt the consensus splice site are a relatively common cause of aberrant splicing (PMID: 17576681, 9536098). Algorithms developed to predict the effect of sequence changes on RNA splicing suggest that this variant is not likely to affect RNA splicing. In summary, the available evidence is currently insufficient to determine the role of this variant in disease. Therefore, it has been classified as a Variant of Uncertain Significance.

Literature cited by the submitters: PubMed 17576681; PubMed 9536098.

NM_006440.5(TXNRD2):c.663-3C>T

Gene: TXNRD2 (thioredoxin reductase 2; minus strand). Cytogenetic location: 22q11.21.
Variant type: single nucleotide variant.
Coding change: c.663-3C>T on transcript NM_006440.5 (MANE Select); 3 bases into the intron before coding-DNA position 663, C replaced by T.
Molecular consequence: intron variant.
Genome position (GRCh38, 1-based): chr22:19,899,071, G>A on the plus strand (C>T on the coding strand, the complement: TXNRD2 is on the minus strand). VCF-style: chr22-19899071-G-A. GRCh37 (hg19) VCF-style: chr22-19886594-G-A.
Other names: c.660-3C>T (NM_001352300.2); c.375-3C>T (NM_001352302.2); c.573-3C>T (NM_001352301.2); c.663-3C>T (NM_001282512.3); c.567-3C>T (NM_001352303.2).
Identifiers: ClinVar variation 1513619 (VCV001513619.6), dbSNP rs778588418, ClinGen allele CA2573157749.
Genomic context (GRCh38, chr22:19,899,071, plus strand): 5'-GTTCCCAGGACGGCCACCTGCACGCTTGCAAAGGATACAGCTGGCCCCGACCACCAACCT[G>A]TTAGAGAAACAGAGAGAGAGCACATGTAAAGCTGAGGCCCTTATTGACCAAGTGCAGTCA-3'